The following is an entry in ClinVar:

NM_033159.4(HYAL1):c.900+1G>C

Gene: HYAL1 (hyaluronidase 1; minus strand). Cytogenetic location: 3p21.31.
Variant type: single nucleotide variant.
Coding change: c.900+1G>C on transcript NM_033159.4 (MANE Select); the canonical splice donor site of the intron after coding-DNA position 900, G replaced by C.
Molecular consequence: splice donor variant.
Genome position (GRCh38, 1-based): chr3:50,302,056, C>G on the plus strand (G>C on the coding strand, the complement: HYAL1 is on the minus strand). VCF-style: chr3-50302056-C-G. GRCh37 (hg19) VCF-style: chr3-50339487-C-G.
Other names: c.900+1G>C (NM_153281.2, NM_153282.3); c.123+1G>C (NM_153285.3); c.354+1G>C (NM_153283.3).
Identifiers: ClinVar variation 4816916 (VCV004816916.1).
Genomic context (GRCh38, chr3:50,302,056, plus strand): 5'-AGGCTGGACCTAATATCTGACAAGGCAGGTTGACAAGGTGGGCAGGTTACAGAAGACTCA[C>G]CAGGGGCAGAAAGTGGTTTGTCGTGTCATAGAAGATCTGGACATAGGGCAGCACCGGCAG-3'

ClinVar aggregate classification (germline): Likely pathogenic (1 of 4 stars; one submission).

Conditions:
Deficiency of hyaluronoglucosaminidase (MPS9). Also called: MPS IX; Mucopolysaccharidosis type 9; HYALURONIDASE DEFICIENCY. Identifiers: Orphanet 67041, MedGen C1291490, MONDO:0011093, OMIM 601492.

Submission:

Natera, Inc.
Classification: Likely pathogenic for Mucopolysaccharidosis type IX. Last evaluated: 2024-05-20. Review status: criteria provided, single submitter. Criteria: Natera Variant Classification Schema (03/2026). Collection method: clinical testing. Allele origin: germline.
Comment: The c.900+1G>C variant in HYAL1 is a canonical splice donor site variant predicted to affect pre-mRNA splicing, which may result in an abnormal transcript and altered protein product. This variant is expected to result in nonsense mediated decay, truncation, or a dysfunctional protein product. This variant is rare in the general population with a frequency below the threshold expected for the associated phenotype(s). Given the available evidence, this variant is classified as Likely Pathogenic.